The following is an entry in ClinVar:

ClinVar aggregate classification (germline): Uncertain significance. Review status: criteria provided, multiple submitters, no conflicts (2 of 4 stars). 5 submissions from 5 submitters: Uncertain significance (5). Last evaluated 2025-10-05.

Conditions:
Hereditary cancer-predisposing syndrome. Also called: Tumor predisposition; Hereditary neoplastic syndrome; Neoplastic Syndromes, Hereditary; Hereditary Cancer Syndrome. Identifiers: Orphanet 140162, MedGen C0027672, MeSH D009386, MONDO:0015356.
Melanoma, cutaneous malignant, susceptibility to, 1 (CMM1). Also called: B-K MOLE SYNDROME; MELANOMA, MALIGNANT; DYSPLASTIC NEVUS SYNDROME, HEREDITARY; FAMILIAL ATYPICAL MOLE-MALIGNANT MELANOMA SYNDROME. Identifiers: Orphanet 618, MedGen C1835047, MONDO:0007963, OMIM 155600.
Peutz-Jeghers syndrome (PJS). Also called: POLYPOSIS, HAMARTOMATOUS INTESTINAL; POLYPS-AND-SPOTS SYNDROME; Peutz-Jeghers polyposis; Periorificial lentiginosis syndrome. Identifiers: Orphanet 2869, MedGen C0031269, MeSH D010580, MONDO:0008280, OMIM 175200.

Submissions (5):

Labcorp Genetics (formerly Invitae), Labcorp
Classification: Uncertain significance for Peutz-Jeghers syndrome. Last evaluated: 2025-10-05. Review status: criteria provided, single submitter. Criteria: Invitae Variant Classification Sherloc (09022015). Collection method: clinical testing. Allele origin: germline.
Comment: This sequence change replaces serine, which is neutral and polar, with leucine, which is neutral and non-polar, at codon 240 of the STK11 protein (p.Ser240Leu). This variant is not present in population databases (gnomAD no frequency). This variant has not been reported in the literature in individuals affected with STK11-related conditions. ClinVar contains an entry for this variant (Variation ID: 934310). Invitae Evidence Modeling of protein sequence and biophysical properties (such as structural, functional, and spatial information, amino acid conservation, physicochemical variation, residue mobility, and thermodynamic stability) has been performed for this missense variant. However, the output from this modeling did not meet the statistical confidence thresholds required to predict the impact of this variant on STK11 protein function. In summary, the available evidence is currently insufficient to determine the role of this variant in disease. Therefore, it has been classified as a Variant of Uncertain Significance.

Ambry Genetics
Classification: Uncertain significance for Hereditary cancer-predisposing syndrome. Last evaluated: 2024-09-24. Review status: criteria provided, single submitter. Criteria: Ambry Variant Classification Scheme 2023. Collection method: clinical testing. Allele origin: germline.
Comment: The p.S240L variant (also known as c.719C>T), located in coding exon 5 of the STK11 gene, results from a C to T substitution at nucleotide position 719. The serine at codon 240 is replaced by leucine, an amino acid with dissimilar properties. This amino acid position is highly conserved in available vertebrate species. In addition, this alteration is predicted to be deleterious by in silico analysis. Based on the available evidence, the clinical significance of this variant remains unclear.

All of Us Research Program, National Institutes of Health
Classification: Uncertain significance for Peutz-Jeghers syndrome. Last evaluated: 2023-10-02. Review status: criteria provided, single submitter. Criteria: ACMG Guidelines, 2015. Collection method: clinical testing. Allele origin: germline. Inheritance: Autosomal dominant inheritance. Observed: 2 variant alleles, 2 heterozygotes.
Comment: This missense variant replaces serine with leucine at codon 240 of the STK11 protein. Computational prediction suggests that this variant may have deleterious impact on protein structure and function (internally defined REVEL score threshold >= 0.7, PMID: 27666373). To our knowledge, functional studies have not been reported for this variant. This variant has not been reported in individuals affected with STK11-related disorders in the literature. This variant has not been identified in the general population by the Genome Aggregation Database (gnomAD). A different variant affecting the same codon, c.719C>G (p.Ser240Trp), is considered to be disease-causing (ClinVar variation ID: 182902), suggesting that this position is important for the protein function. The available evidence is insufficient to determine the role of this variant in disease conclusively. Therefore, this variant is classified as a Variant of Uncertain Significance.

This study involves interpretation of variants in research participants for the purpose of population health screening. Participant phenotype was not available at the time of variant classification. Additional details can be found in publication PMID: 35346344, PMCID: PMC8962531

Color Diagnostics, LLC DBA Color Health
Classification: Uncertain significance for Hereditary cancer-predisposing syndrome. Last evaluated: 2023-09-06. Review status: criteria provided, single submitter. Criteria: ACMG Guidelines, 2015. Collection method: clinical testing. Allele origin: germline.
Comment: This missense variant replaces serine with leucine at codon 240 of the STK11 protein. Computational prediction suggests that this variant may have deleterious impact on protein structure and function (internally defined REVEL score threshold >= 0.7, PMID: 27666373). To our knowledge, functional studies have not been reported for this variant. This variant has not been reported in individuals affected with STK11-related disorders in the literature. This variant has not been identified in the general population by the Genome Aggregation Database (gnomAD). A different variant affecting the same codon, c.719C>G (p.Ser240Trp), is considered to be disease-causing (ClinVar variation ID: 182902), suggesting that this position is important for the protein function. The available evidence is insufficient to determine the role of this variant in disease conclusively. Therefore, this variant is classified as a Variant of Uncertain Significance.

Baylor Genetics
Classification: Uncertain significance for Melanoma, cutaneous malignant, susceptibility to, 1. Last evaluated: 2023-05-01. Review status: criteria provided, single submitter. Criteria: ACMG Guidelines, 2015. Collection method: clinical testing. Allele origin: unknown.

NM_000455.5(STK11):c.719C>T (p.Ser240Leu)

Gene: STK11 (serine/threonine kinase 11; plus strand). Cytogenetic location: 19p13.3.
Variant type: single nucleotide variant.
Coding change: c.719C>T on transcript NM_000455.5 (MANE Select); coding-DNA position 719, C replaced by T.
Protein change: p.Ser240Leu; replaces serine 240 with leucine.
Molecular consequence: missense variant.
Genome position (GRCh38, 1-based): chr19:1,220,702, C>T. VCF-style: chr19-1220702-C-T. GRCh37 (hg19) VCF-style: chr19-1220701-C-T.
Other names: short protein forms S240L.
Identifiers: ClinVar variation 934310 (VCV000934310.16), dbSNP rs730881976, ClinGen allele CA402949942.